The following is an entry in ClinVar:

NM_000548.5(TSC2):c.1444-14T>C

Gene: TSC2 (TSC complex subunit 2; plus strand). Cytogenetic location: 16p13.3.
Variant type: single nucleotide variant.
Coding change: c.1444-14T>C on transcript NM_000548.5 (MANE Select); 14 bases into the intron before coding-DNA position 1444, T replaced by C.
Molecular consequence: intron variant.
Genome position (GRCh38, 1-based): chr16:2,064,258, T>C. VCF-style: chr16-2064258-T-C. GRCh37 (hg19) VCF-style: chr16-2114259-T-C.
Other names: c.1333-14T>C (NM_001318827.2); c.844-14T>C (NM_001318831.2); c.1297-14T>C (NM_001318829.2); c.1477-14T>C (NM_001318832.2); c.1444-14T>C (NM_001114382.3, NM_021055.3, NM_001370405.1 and 3 more transcripts).
Identifiers: ClinVar variation 50126 (VCV000050126.9), dbSNP rs45517173, ClinGen allele CA014856.

ClinVar aggregate classification (germline): Likely benign. Review status: criteria provided, multiple submitters, no conflicts (2 of 4 stars). 4 submissions from 4 submitters: Likely benign (3). 1 of the submissions does not count toward it. Last evaluated 2025-07-17.

Conditions:
Tuberous sclerosis syndrome (TSC). Also called: Tuberous Sclerosis Complex; Tuberous sclerosis. Identifiers: Orphanet 805, MedGen C0041341, MONDO:0001734.
Tuberous sclerosis 2 (TSC2). Identifiers: Orphanet 805, MedGen C1860707, MONDO:0013199, OMIM 613254.

Submissions (4):

Labcorp Genetics (formerly Invitae), Labcorp
Classification: Likely benign for Tuberous sclerosis 2. Last evaluated: 2025-07-17. Review status: criteria provided, single submitter. Criteria: Invitae Variant Classification Sherloc (09022015). Collection method: clinical testing. Allele origin: germline.

Myriad Genetics, Inc.
Classification: Likely benign for Tuberous sclerosis 2. Last evaluated: 2025-05-14. Review status: criteria provided, single submitter. Criteria: Myriad Autosomal Dominant, Autosomal Recessive and X-Linked Classification Criteria (2023). Collection method: clinical testing. Allele origin: unknown.
Comment: This variant is considered likely benign. This variant is intronic and is not expected to impact mRNA splicing.

All of Us Research Program, National Institutes of Health
Classification: Likely benign for Tuberous sclerosis syndrome. Last evaluated: 2023-12-13. Review status: criteria provided, single submitter. Criteria: ACMG Guidelines, 2015. Collection method: clinical testing. Allele origin: germline. Inheritance: Autosomal dominant inheritance. Observed: 2 variant alleles, 2 heterozygotes.
Comment: This study involves interpretation of variants in research participants for the purpose of population health screening. Participant phenotype was not available at the time of variant classification. Additional details can be found in publication PMID: 35346344, PMCID: PMC8962531

Tuberous sclerosis database (TSC2)
No classification provided. Condition: TSC. Review status: no classification provided. Criteria: Tuberous Sclerosis Database Assertion Criteria 2015. Collection method: curation. Allele origin: germline. Affected: yes. Not counted in ClinVar's aggregate classification.